The following is an entry in ClinVar:

ClinVar aggregate classification (germline): Pathogenic. Review status: criteria provided, single submitter (1 of 4 stars). 2 submissions from 2 submitters: Pathogenic (1). 1 of the submissions does not count toward it.

Conditions:
Mitochondrial complex IV deficiency, nuclear type 1 (MC4DN1). Also called: COX DEFICIENCY; Mitochondrial complex IV deficiency; Complex 4 mitochondrial respiratory chain deficiency; Deficiency of mitochondrial respiratory chain complex4; Complex IV deficiency. Identifiers: MedGen C5435656, MONDO:0700250, OMIM 220110. Disease mechanism: loss of function.
Charcot-Marie-Tooth disease type 4K. Also called: CHARCOT-MARIE-TOOTH DISEASE, DEMYELINATING, TYPE 4K; CHARCOT-MARIE-TOOTH DISEASE, DEMYELINATING, AUTOSOMAL RECESSIVE, TYPE 4K; CHARCOT-MARIE-TOOTH NEUROPATHY, DEMYELINATING, AUTOSOMAL RECESSIVE, TYPE 4K. Identifiers: Orphanet 391351, MedGen C4225246, MONDO:0014733, OMIM 616684.
Leigh syndrome (NULS). Also called: LEIGH SYNDROME, NUCLEAR; Leigh Disease; Subacute necrotizing encephalopathy; Necrotizing encephalopathy infantile subacute of Leigh; Leigh Syndrome (mtDNA deletion); Leigh's necrotizing encephalopathy. Identifiers: Orphanet 506, MedGen C2931891, MONDO:0009723, OMIM 256000.

Allele frequency attached by ClinVar (database versions not stated): gnomAD exomes below 0.00001.

Submissions (2):

Juno Genomics, Hangzhou Juno Genomics, Inc
Classification: Pathogenic for Charcot-Marie-Tooth disease type 4K; Mitochondrial complex IV deficiency, nuclear type 1. Review status: criteria provided, single submitter. Criteria: ACMG Guidelines, 2015. Collection method: clinical testing. Allele origin: germline.
Comment: Absent from controls (or at extremely low frequency if recessive) in Genome Aggregation Database.;Null variant in a gene where loss of function (LOF) is a known mechanism of disease.;For recessive disorders, detected in trans with a pathogenic variant.;Patient's phenotype or family history is highly specific for a disease with a single genetic etiology.

Laboratory of Metabolic Disorders, Peking University First Hospital
Classification: Pathogenic for Leigh syndrome, due to COX IV deficiency. Last evaluated: 2018-04-05. Review status: no assertion criteria provided. Collection method: research. Allele origin: inherited. Affected: yes. Not counted in ClinVar's aggregate classification.

NM_003172.4(SURF1):c.465_466del (p.Thr156fs)

Gene: SURF1 (SURF1 cytochrome c oxidase assembly factor; minus strand). Cytogenetic location: 9q34.2.
Variant type: Deletion.
Coding change: c.465_466del on transcript NM_003172.4 (MANE Select); coding-DNA positions 465 to 466, 2 bases deleted (AA; older notation c.465_466delAA).
Protein change: p.Thr156fs; shifts the reading frame from threonine 156.
Molecular consequence: frameshift variant.
Genome position (GRCh38, 1-based): chr9:133,353,798-133,353,799, TT deleted on the plus strand (AA on the coding strand, the reverse complement: SURF1 is on the minus strand). VCF-style (leftmost placement, unchanged base first): chr9-133353797-GTT-G. GRCh37 (hg19) VCF-style: chr9-136220652-GTT-G.
Other names: c.138_139del, p.Thr47fs (NM_001280787.1); short protein forms T156fs, T47fs.
Identifiers: ClinVar variation 520391 (VCV000520391.3), dbSNP rs1564349176, ClinGen allele CA913190175.